The following is an entry in ClinVar:

ClinVar aggregate classification (germline): Likely pathogenic (1 of 4 stars; one submission).

Conditions:
Dilated cardiomyopathy 1G (CMD1G). Identifiers: Orphanet 154, MedGen C1858763, MONDO:0011400, OMIM 604145.
Autosomal recessive limb-girdle muscular dystrophy type 2J (LGMDR10). Also called: MUSCULAR DYSTROPHY, LIMB-GIRDLE, AUTOSOMAL RECESSIVE 10; Limb-girdle muscular dystrophy, type 2J. Identifiers: Orphanet 140922, MedGen C1837342, MONDO:0012127, OMIM 608807.

Submission:

Labcorp Genetics (formerly Invitae), Labcorp
Classification: Likely pathogenic for Dilated cardiomyopathy 1G; Autosomal recessive limb-girdle muscular dystrophy type 2J. Last evaluated: 2019-01-15. Review status: criteria provided, single submitter. Criteria: Invitae Variant Classification Sherloc (09022015). Collection method: clinical testing. Allele origin: germline.
Comment: This variant has not been reported in the literature in individuals with TTN-related conditions. In summary, the currently available evidence indicates that the variant is pathogenic, but additional data are needed to prove that conclusively. Therefore, this variant has been classified as Likely Pathogenic. This variant is located in the A band of TTN (PMID: 25589632). Truncating variants in this region are significantly overrepresented in patients affected with dilated cardiomyopathy (PMID: 25589632). Truncating variants in this region have also been reported in individuals affected with autosomal recessive centronuclear myopathy (PMID: 23975875). This variant is not present in population databases (ExAC no frequency). This sequence change results in a premature translational stop signal in the TTN gene (p.Gln18161*). While this is not anticipated to result in nonsense mediated decay, it is expected to create a truncated TTN protein.

Literature cited by the submitters: PubMed 25589632; PubMed 23975875.

NM_001267550.2(TTN):c.54481C>T (p.Gln18161Ter)

Genes: TTN-AS1 (TTN antisense RNA 1; plus strand), TTN (titin; minus strand). Cytogenetic location: 2q31.2.
Variant type: single nucleotide variant.
Coding change: c.54481C>T on transcript NM_001267550.2 (MANE Select); coding-DNA position 54481, C replaced by T.
Protein change: p.Gln18161Ter; replaces glutamine 18161 with a stop codon.
Molecular consequence: nonsense.
Genome position (GRCh38, 1-based): chr2:178,604,206, G>A on the plus strand (C>T on the coding strand, the complement: TTN is on the minus strand). VCF-style: chr2-178604206-G-A. GRCh37 (hg19) VCF-style: chr2-179468933-G-A.
Other names: c.49558C>T, p.Gln16520Ter (NM_001256850.1); c.27286C>T, p.Gln9096Ter (NM_003319.4); c.46777C>T, p.Gln15593Ter (NM_133378.4); c.27661C>T, p.Gln9221Ter (NM_133432.3); c.27862C>T, p.Gln9288Ter (NM_133437.4); short protein forms Q15593*, Q9096*, Q16520*, Q9221*, Q9288*, Q18161*.
Identifiers: ClinVar variation 854296 (VCV000854296.10), dbSNP rs2054207747, ClinGen allele CA349552314.